The following is an entry in ClinVar:

NM_001134407.3(GRIN2A):c.4089C>T (p.Ser1363=)

Gene: GRIN2A (glutamate ionotropic receptor NMDA type subunit 2A; minus strand). Cytogenetic location: 16p13.2.
Variant type: single nucleotide variant.
Coding change: c.4089C>T on transcript NM_001134407.3 (MANE Select); coding-DNA position 4089, C replaced by T.
Protein change: p.Ser1363=; no amino-acid change (serine 1363 retained).
Molecular consequence: synonymous variant. On other transcripts: intron variant (1).
Genome position (GRCh38, 1-based): chr16:9,763,455, G>A on the plus strand (C>T on the coding strand, the complement: GRIN2A is on the minus strand). VCF-style: chr16-9763455-G-A. GRCh37 (hg19) VCF-style: chr16-9857312-G-A.
Other names: c.3773-27C>T (NM_001134408.2); c.4089C>T, p.Ser1363= (NM_000833.5).
Identifiers: ClinVar variation 2695380 (VCV002695380.3), dbSNP rs774385825, ClinGen allele CA7896213.

ClinVar aggregate classification (germline): Uncertain significance (1 of 4 stars; one submission).

Conditions:
Landau-Kleffner syndrome (FESD). Also called: APHASIA, ACQUIRED, WITH EPILEPSY; EPILEPSY, FOCAL, WITH SPEECH DISORDER AND WITH OR WITHOUT MENTAL RETARDATION. Identifiers: Orphanet 1945, Orphanet 725, Orphanet 98818, MedGen C0282512, MONDO:0009509, OMIM 245570.

Allele frequency attached by ClinVar (database versions not stated): gnomAD exomes below 0.00001; ExAC 0.00001.
gnomAD v4.1: 4 of 1,613,976 alleles (0.00025%); highest among the groups gnomAD compares: Non-Finnish European, 0.00034%; no homozygotes.

Submission:

Labcorp Genetics (formerly Invitae), Labcorp
Classification: Uncertain significance for Landau-Kleffner syndrome. Last evaluated: 2023-11-19. Review status: criteria provided, single submitter. Criteria: Invitae Variant Classification Sherloc (09022015). Collection method: clinical testing. Allele origin: germline.
Comment: This sequence change affects codon 1363 of the GRIN2A mRNA. It is a 'silent' change, meaning that it does not change the encoded amino acid sequence of the GRIN2A protein. This variant is present in population databases (rs774385825, gnomAD 0.003%). This variant has not been reported in the literature in individuals affected with GRIN2A-related conditions. Algorithms developed to predict the effect of sequence changes on RNA splicing suggest that this variant may create or strengthen a splice site. In summary, the available evidence is currently insufficient to determine the role of this variant in disease. Therefore, it has been classified as a Variant of Uncertain Significance.